The following is an entry in ClinVar:

NM_172107.4(KCNQ2):c.874C>T (p.Leu292Phe)

Gene: KCNQ2 (potassium voltage-gated channel subfamily Q member 2; minus strand). Cytogenetic location: 20q13.33.
Variant type: single nucleotide variant.
Coding change: c.874C>T on transcript NM_172107.4 (MANE Select); coding-DNA position 874, C replaced by T.
Protein change: p.Leu292Phe; replaces leucine 292 with phenylalanine.
Molecular consequence: missense variant.
Genome position (GRCh38, 1-based): chr20:63,439,651, G>A on the plus strand (C>T on the coding strand, the complement: KCNQ2 is on the minus strand). VCF-style: chr20-63439651-G-A. GRCh37 (hg19) VCF-style: chr20-62071004-G-A.
Other names: c.874C>T, p.Leu292Phe (NM_004518.6, NM_172106.3, NM_172108.5 and 2 more transcripts); short protein forms L292F.
Identifiers: ClinVar variation 2822011 (VCV002822011.3), dbSNP rs2516419508, ClinGen allele CA409652598.

ClinVar aggregate classification (germline): Likely pathogenic (1 of 4 stars; one submission).

Conditions:
Early-infantile DEE. Also called: Early infantile epileptic encephalopathy; Early infantile epileptic encephalopathy with suppression bursts; Ohtahara syndrome. Identifiers: Orphanet 1934, MedGen C0393706, MONDO:0800491.

Submission:

Labcorp Genetics (formerly Invitae), Labcorp
Classification: Likely pathogenic for Early-infantile DEE. Last evaluated: 2023-02-03. Review status: criteria provided, single submitter. Criteria: Invitae Variant Classification Sherloc (09022015). Collection method: clinical testing. Allele origin: germline.
Comment: This sequence change replaces leucine, which is neutral and non-polar, with phenylalanine, which is neutral and non-polar, at codon 292 of the KCNQ2 protein (p.Leu292Phe). In summary, the currently available evidence indicates that the variant is pathogenic, but additional data are needed to prove that conclusively. Therefore, this variant has been classified as Likely Pathogenic. This variant disrupts the p.Leu29 amino acid residue in KCNQ2. Other variant(s) that disrupt this residue have been determined to be pathogenic (PMID: 29644095). This suggests that this residue is clinically significant, and that variants that disrupt this residue are likely to be disease-causing. Advanced modeling of protein sequence and biophysical properties (such as structural, functional, and spatial information, amino acid conservation, physicochemical variation, residue mobility, and thermodynamic stability) performed at Invitae indicates that this missense variant is expected to disrupt KCNQ2 protein function. This missense change has been observed in individual(s) with clinical features of KCNQ2-related conditions (Invitae). This variant is not present in population databases (gnomAD no frequency).

Literature cited by the submitters: PubMed 29644095.